The following is an entry in ClinVar:

NM_000143.4(FH):c.1459A>G (p.Ile487Val)

Gene: FH (fumarate hydratase; minus strand). Cytogenetic location: 1q43.
Variant type: single nucleotide variant.
Coding change: c.1459A>G on transcript NM_000143.4 (MANE Select); coding-DNA position 1459, A replaced by G.
Protein change: p.Ile487Val; replaces isoleucine 487 with valine.
Molecular consequence: missense variant.
Genome position (GRCh38, 1-based): chr1:241,497,902, T>C on the plus strand (A>G on the coding strand, the complement: FH is on the minus strand). VCF-style: chr1-241497902-T-C. GRCh37 (hg19) VCF-style: chr1-241661202-T-C.
Other names: short protein forms I487V.
Identifiers: ClinVar variation 1430565 (VCV001430565.11), dbSNP rs1391195810, ClinGen allele CA345450573.
Genomic context (GRCh38, chr1:241,497,902, plus strand): 5'-GCATGTCCTTAGGTTTTACCCATTCGTCAAACTGCTCTGCTGTGAGATAGCCAAGTTCGA[T>C]AGCAGTTTCCTTTAAGGTTGATCCATTTTTGTGTGCTGTCTTAGCAATCTTTGCTGCCTT-3'
Protein context (NP_000134.2, residues 477-497): KNGSTLKETA[Ile487Val]ELGYLTAEQF

ClinVar aggregate classification (germline): Uncertain significance. Review status: criteria provided, multiple submitters, no conflicts (2 of 4 stars). 4 submissions from 4 submitters: Uncertain significance (4). Last evaluated 2025-12-08.

Conditions:
Hereditary cancer-predisposing syndrome. Also called: Hereditary neoplastic syndrome; Tumor predisposition; Hereditary Cancer Syndrome; Neoplastic Syndromes, Hereditary. Identifiers: Orphanet 140162, MedGen C0027672, MeSH D009386, MONDO:0015356.
Fumarase deficiency (FMRD). Also called: Fumaric aciduria; Fumarate Hydratase Deficiency. Identifiers: Orphanet 24, MedGen C0342770, MONDO:0011730, OMIM 606812.

Allele frequency attached by ClinVar (database versions not stated): gnomAD exomes below 0.00001.
gnomAD v4.1: 6 of 1,613,760 alleles (0.00037%); highest among the groups gnomAD compares: South Asian, 0.0011%; no homozygotes.

Submissions (4):

Ambry Genetics
Classification: Uncertain significance for Hereditary cancer-predisposing syndrome. Last evaluated: 2025-12-08. Review status: criteria provided, single submitter. Criteria: Ambry Variant Classification Scheme 2023. Collection method: clinical testing. Allele origin: germline.
Comment: The p.I487V variant (also known as c.1459A>G), located in coding exon 10 of the FH gene, results from an A to G substitution at nucleotide position 1459. The isoleucine at codon 487 is replaced by valine, an amino acid with highly similar properties. This amino acid position is not well conserved in available vertebrate species. In addition, this alteration is predicted to be tolerated by in silico analysis. Based on the available evidence, the clinical significance of this variant remains unclear.

Labcorp Genetics (formerly Invitae), Labcorp
Classification: Uncertain significance. Last evaluated: 2025-01-13. Review status: criteria provided, single submitter. Criteria: Invitae Variant Classification Sherloc (09022015). Collection method: clinical testing. Allele origin: germline.
Comment: This sequence change replaces isoleucine, which is neutral and non-polar, with valine, which is neutral and non-polar, at codon 487 of the FH protein (p.Ile487Val). This variant is not present in population databases (gnomAD no frequency). This variant has not been reported in the literature in individuals affected with FH-related conditions. ClinVar contains an entry for this variant (Variation ID: 1430565). Invitae Evidence Modeling of protein sequence and biophysical properties (such as structural, functional, and spatial information, amino acid conservation, physicochemical variation, residue mobility, and thermodynamic stability) indicates that this missense variant is not expected to disrupt FH protein function with a negative predictive value of 95%. In summary, the available evidence is currently insufficient to determine the role of this variant in disease. Therefore, it has been classified as a Variant of Uncertain Significance.

GeneDx
Classification: Uncertain significance. Last evaluated: 2023-03-14. Review status: criteria provided, single submitter. Criteria: GeneDx Variant Classification Process June 2021. Collection method: clinical testing. Allele origin: germline. Affected: yes.
Comment: Not observed at significant frequency in large population cohorts (gnomAD); In silico analysis supports that this missense variant does not alter protein structure/function; Has not been previously published as pathogenic or benign to our knowledge

Baylor Genetics
Classification: Uncertain significance for Fumarase deficiency. Last evaluated: 2023-02-03. Review status: criteria provided, single submitter. Criteria: ACMG Guidelines, 2015. Collection method: clinical testing. Allele origin: unknown.